The following is an entry in ClinVar:

NM_001352514.2(HLCS):c.1698_1701del (p.Leu567fs)

Gene: HLCS (holocarboxylase synthetase; minus strand). Cytogenetic location: 21q22.13.
Variant type: Deletion.
Coding change: c.1698_1701del on transcript NM_001352514.2 (MANE Select); coding-DNA positions 1698 to 1701, 4 bases deleted (TCTT; older notation c.1698_1701delTCTT).
Protein change: p.Leu567fs; shifts the reading frame from leucine 567.
Molecular consequence: frameshift variant. On other transcripts: non-coding transcript variant (2).
Genome position (GRCh38, 1-based): chr21:36,897,051-36,897,054, AAGA deleted on the plus strand (TCTT on the coding strand, the reverse complement: HLCS is on the minus strand). VCF-style (leftmost placement, unchanged base first): chr21-36897050-TAAGA-T. GRCh37 (hg19) VCF-style: chr21-38269350-TAAGA-T.
Other names: c.1257_1260del, p.Leu420fs (NM_000411.8, NM_001242784.3, NM_001242785.2 and 4 more transcripts); short protein forms L567fs, L420fs.
Identifiers: ClinVar variation 949648 (VCV000949648.8), dbSNP rs2065041493, ClinGen allele CA1139666854.

ClinVar aggregate classification (germline): Pathogenic. Review status: criteria provided, multiple submitters, no conflicts (2 of 4 stars). 2 submissions from 2 submitters: Pathogenic (2). Last evaluated 2023-12-21.

Conditions:
Holocarboxylase synthetase deficiency. Also called: MULTIPLE CARBOXYLASE DEFICIENCY, EARLY ONSET. Identifiers: Orphanet 79242, MedGen C0268581, MONDO:0009666, OMIM 253270.

Allele frequency attached by ClinVar (database versions not stated): gnomAD exomes below 0.00001.

Submissions (2):

Myriad Genetics, Inc.
Classification: Pathogenic for Holocarboxylase synthetase deficiency. Last evaluated: 2023-12-21. Review status: criteria provided, single submitter. Criteria: Myriad Autosomal Dominant, Autosomal Recessive and X-Linked Classification Criteria (2023). Collection method: clinical testing. Allele origin: unknown.
Comment: NM_000411.6(HLCS):c.1257_1260delTCTT(L420Dfs*10) is expected to be pathogenic in the context of holocarboxylase synthetase deficiency. This variant is predicted to lead to an abnormal or absent protein product due to the creation of a premature termination codon in HLCS, a gene where loss-of-function variants are known to be pathogenic. Please note: this variant was assessed in the context of healthy population screening.

Labcorp Genetics (formerly Invitae), Labcorp
Classification: Pathogenic for Holocarboxylase synthetase deficiency. Last evaluated: 2019-04-18. Review status: criteria provided, single submitter. Criteria: Invitae Variant Classification Sherloc (09022015). Collection method: clinical testing. Allele origin: germline.
Comment: This sequence change creates a premature translational stop signal (p.Leu420Aspfs*10) in the HLCS gene. It is expected to result in an absent or disrupted protein product. This variant is not present in population databases (ExAC no frequency). This variant has not been reported in the literature in individuals with HLCS-related conditions. Loss-of-function variants in HLCS are known to be pathogenic (PMID: 16134170). For these reasons, this variant has been classified as Pathogenic.

Literature cited by the submitters: PubMed 16134170 (cited by Labcorp Genetics (formerly Invitae), Labcorp).